The following is an entry in ClinVar:

NM_001042413.2(GLIS3):c.105C>T (p.Ser35=)

Gene: GLIS3 (GLIS family zinc finger 3; minus strand). Cytogenetic location: 9p24.2.
Variant type: single nucleotide variant.
Coding change: c.105C>T on transcript NM_001042413.2 (MANE Select); coding-DNA position 105, C replaced by T.
Protein change: p.Ser35=; no amino-acid change (serine 35 retained).
Molecular consequence: synonymous variant.
Genome position (GRCh38, 1-based): chr9:4,286,321, G>A on the plus strand (C>T on the coding strand, the complement: GLIS3 is on the minus strand). VCF-style: chr9-4286321-G-A. GRCh37 (hg19) VCF-style: chr9-4286321-G-A.
Identifiers: ClinVar variation 367001 (VCV000367001.30), dbSNP rs372340726, ClinGen allele CA4968702.
Genomic context (GRCh38, chr9:4,286,321, plus strand): 5'-AGCAAGGCTTGCCATAGTGGGACTCGATGTGCTGCCACAGGGCGAGGGGCCAGGAGTCCC[G>A]GAGTGGGCTCGGATGGCAGGAATGTGATGACCACTGACCATCCTAGGCCCCTGTGGGGTT-3'
Protein context (NP_001035878.1, residues 25-45): GHHIPAIRAH[Ser35=]GTPGPSPCGS

ClinVar aggregate classification (germline): Conflicting classifications of pathogenicity. Review status: criteria provided, conflicting classifications (1 of 4 stars). 3 submissions from 3 submitters: Uncertain significance (1); Likely benign (1). 1 of the submissions does not count toward it. Last evaluated 2023-05-01.

Conditions:
GLIS3-related disorder. Also called: GLIS3-related condition.
Neonatal diabetes mellitus with congenital hypothyroidism. Also called: NDH SYNDROME. Identifiers: Orphanet 79118, MedGen C1857775, MONDO:0012436, OMIM 610199.

Allele frequency attached by ClinVar (database versions not stated): gnomAD exomes 0.00006; ExAC 0.00007; TOPMed 0.00008; gnomAD 0.00009; ESP Exome Variant Server 0.00016.
gnomAD v4.1: 224 of 1,613,256 alleles (0.014%); highest among the groups gnomAD compares: Non-Finnish European, 0.018%; no homozygotes.

Submissions (3):

CeGaT Center for Human Genetics Tuebingen
Classification: Likely benign. Last evaluated: 2023-05-01. Review status: criteria provided, single submitter. Criteria: CeGaT Center For Human Genetics Tuebingen Variant Classification Criteria Version 2. Collection method: clinical testing. Allele origin: germline. Affected: yes. Observed: 1 variant allele.
Comment: GLIS3: BP4, BP7

Illumina Laboratory Services, Illumina
Classification: Uncertain significance for Neonatal diabetes mellitus with congenital hypothyroidism. Last evaluated: 2018-01-12. Review status: criteria provided, single submitter. Criteria: ICSL Variant Classification Criteria 13 December 2019. Collection method: clinical testing. Allele origin: germline.

PreventionGenetics, part of Exact Sciences
Classification: Likely benign for GLIS3-related condition. Last evaluated: 2019-06-18. Review status: no assertion criteria provided. Collection method: clinical testing. Allele origin: germline. Not counted in ClinVar's aggregate classification.
Comment: This variant is classified as likely benign based on ACMG/AMP sequence variant interpretation guidelines (Richards et al. 2015 PMID: 25741868, with internal and published modifications).